The following is an entry in ClinVar:

NM_017649.5(CNNM2):c.2058C>T (p.Phe686=)

Gene: CNNM2 (cyclin and CBS domain divalent metal cation transport mediator 2; plus strand). Cytogenetic location: 10q24.32.
Variant type: single nucleotide variant.
Coding change: c.2058C>T on transcript NM_017649.5 (MANE Select); coding-DNA position 2058, C replaced by T.
Protein change: p.Phe686=; no amino-acid change (phenylalanine 686 retained).
Molecular consequence: synonymous variant.
Genome position (GRCh38, 1-based): chr10:103,056,949, C>T. VCF-style: chr10-103056949-C-T. GRCh37 (hg19) VCF-style: chr10-104816706-C-T.
Other names: c.2058C>T, p.Phe686= (NM_199076.3).
Identifiers: ClinVar variation 2072029 (VCV002072029.33), dbSNP rs368187595, ClinGen allele CA5670514.
Genomic context (GRCh38, chr10:103,056,949, plus strand): 5'-GAAGAACAAGAAAGCCCCCGAATACTACCTCTACCAGCGCAACAAGCCAGTAGACTACTT[C>T]GTTCTCATTCTGCAGGTCAGAAGAATTATTCAATAGTGGTTTGCTCTCACTGAGTATCCA-3'
Protein context (NP_060119.3, residues 676-696): LYQRNKPVDY[Phe686=]VLILQGKVEV

ClinVar aggregate classification (germline): Benign/Likely benign. Review status: criteria provided, multiple submitters, no conflicts (2 of 4 stars). 4 submissions from 4 submitters: Benign (1); Likely benign (3). Last evaluated 2026-06-16.

Allele frequency attached by ClinVar (database versions not stated): ESP Exome Variant Server 0.00008; ExAC 0.00013; TOPMed 0.00022; gnomAD 0.00023; gnomAD exomes 0.00037.
gnomAD v4.1: 588 of 1,610,742 alleles (0.037%); highest among the groups gnomAD compares: Non-Finnish European, 0.045%; no homozygotes.

Submissions (4):

Women's Health and Genetics/Laboratory Corporation of America, LabCorp
Classification: Likely benign. Last evaluated: 2026-06-16. Review status: criteria provided, single submitter. Criteria: LabCorp Variant Classification Summary - May 2015. Collection method: clinical testing. Allele origin: germline.

Revvity Omics, Revvity
Classification: Benign. Last evaluated: 2026-05-06. Review status: criteria provided, single submitter. Criteria: ACMG Guidelines, 2015. Collection method: clinical testing. Allele origin: germline.

Labcorp Genetics (formerly Invitae), Labcorp
Classification: Likely benign. Last evaluated: 2024-11-19. Review status: criteria provided, single submitter. Criteria: Invitae Variant Classification Sherloc (09022015). Collection method: clinical testing. Allele origin: germline.

CeGaT Center for Human Genetics Tuebingen
Classification: Likely benign. Last evaluated: 2023-06-01. Review status: criteria provided, single submitter. Criteria: CeGaT Center For Human Genetics Tuebingen Variant Classification Criteria Version 2. Collection method: clinical testing. Allele origin: germline. Affected: yes. Observed: 1 variant allele.
Comment: CNNM2: BP4